The following is an entry in ClinVar:

ClinVar aggregate classification (germline): Likely benign (0 of 4 stars; one submission).

Conditions:
PLXNA2-related disorder. Also called: PLXNA2-related condition.

gnomAD v4.1: 51 of 1,614,116 alleles (0.0032%); highest among the groups gnomAD compares: Non-Finnish European, 0.0041%; no homozygotes.

Submission:

PreventionGenetics, part of Exact Sciences
Classification: Likely benign for PLXNA2-related condition. Last evaluated: 2024-03-05. Review status: no assertion criteria provided. Collection method: clinical testing. Allele origin: germline.
Comment: This variant is classified as likely benign based on ACMG/AMP sequence variant interpretation guidelines (Richards et al. 2015 PMID: 25741868, with internal and published modifications).

NM_025179.4(PLXNA2):c.3621C>T (p.Thr1207=)

Gene: PLXNA2 (plexin A2; minus strand). Cytogenetic location: 1q32.2.
Variant type: single nucleotide variant.
Coding change: c.3621C>T on transcript NM_025179.4 (MANE Select); coding-DNA position 3621, C replaced by T.
Protein change: p.Thr1207=; no amino-acid change (threonine 1207 retained).
Molecular consequence: synonymous variant.
Genome position (GRCh38, 1-based): chr1:208,045,085, G>A on the plus strand (C>T on the coding strand, the complement: PLXNA2 is on the minus strand). VCF-style: chr1-208045085-G-A. GRCh37 (hg19) VCF-style: chr1-208218430-G-A.
Identifiers: ClinVar variation 3358803 (VCV003358803.1).